The following is an entry in ClinVar:

ClinVar aggregate classification (germline): Uncertain significance (1 of 4 stars; one submission).

Conditions:
Pheochromocytoma. Also called: MAX-Related Hereditary Paraganglioma-Pheochromocytoma Syndrome. Identifiers: Orphanet 29072, MedGen C0031511, MONDO:0008233, OMIM 171300, HP:0002666.
Gastrointestinal stromal tumor. Also called: Gastrointestinal stroma tumor; Gastrointestinal stromal tumor, somatic. Identifiers: Orphanet 44890, MedGen C0238198, MeSH D046152, MONDO:0011719, OMIM 606764, HP:0100723.
Pheochromocytoma/paraganglioma syndrome 4. Also called: CAROTID BODY TUMORS AND MULTIPLE EXTRAADRENAL PHEOCHROMOCYTOMAS; PARAGANGLIOMA, FAMILIAL MALIGNANT; PARAGANGLIOMAS, HEREDITARY EXTRAADRENAL; PHEOCHROMOCYTOMA, FAMILIAL EXTRAADRENAL; Paragangliomas 4; SDHB-Related Hereditary Paraganglioma-Pheochromocytoma Syndrome (Paragangliomas 4). Identifiers: Orphanet 29072, MedGen C1861848, MONDO:0007273, OMIM 115310.

Submission:

Labcorp Genetics (formerly Invitae), Labcorp
Classification: Uncertain significance for Gastrointestinal stromal tumor; Pheochromocytoma/paraganglioma syndrome 4; Pheochromocytoma. Last evaluated: 2025-05-06. Review status: criteria provided, single submitter. Criteria: Invitae Variant Classification Sherloc (09022015). Collection method: clinical testing. Allele origin: germline.
Comment: This sequence change replaces glutamine, which is neutral and polar, with arginine, which is basic and polar, at codon 168 of the SDHB protein (p.Gln168Arg). This variant is not present in population databases (gnomAD no frequency). This variant has not been reported in the literature in individuals affected with SDHB-related conditions. ClinVar contains an entry for this variant (Variation ID: 2013205). Invitae Evidence Modeling of protein sequence and biophysical properties (such as structural, functional, and spatial information, amino acid conservation, physicochemical variation, residue mobility, and thermodynamic stability) indicates that this missense variant is not expected to disrupt SDHB protein function with a negative predictive value of 80%. In summary, the available evidence is currently insufficient to determine the role of this variant in disease. Therefore, it has been classified as a Variant of Uncertain Significance.

NM_003000.3(SDHB):c.503A>G (p.Gln168Arg)

Gene: SDHB (succinate dehydrogenase complex iron sulfur subunit B; minus strand). Cytogenetic location: 1p36.13.
Variant type: single nucleotide variant.
Coding change: c.503A>G on transcript NM_003000.3 (MANE Select); coding-DNA position 503, A replaced by G.
Protein change: p.Gln168Arg; replaces glutamine 168 with arginine.
Molecular consequence: missense variant.
Genome position (GRCh38, 1-based): chr1:17,027,786, T>C on the plus strand (A>G on the coding strand, the complement: SDHB is on the minus strand). VCF-style: chr1-17027786-T-C. GRCh37 (hg19) VCF-style: chr1-17354281-T-C.
Other names: c.449A>G, p.Gln150Arg (NM_001407361.1); short protein forms Q150R, Q168R.
Identifiers: ClinVar variation 2013205 (VCV002013205.4), dbSNP rs2525017646, ClinGen allele CA338272655.
Genomic context (GRCh38, chr1:17,027,786, plus strand): 5'-AACAATAAATAGGGACTAATGACCAGTTTCTCACGCTCTTCTATGGACTGCAGATACTGC[T>C]GCTTGCCTTCCTGAGATTCATCCTTCTTCTTCAAATAAGGCTCAATGGATTTGTACTGTG-3'
Protein context (NP_002991.2, residues 158-178): KKKDESQEGK[Gln168Arg]QYLQSIEERE